The following is an entry in ClinVar:

NM_001148.6(ANK2):c.10118C>T (p.Ala3373Val)

Gene: ANK2 (ankyrin 2; plus strand). Cytogenetic location: 4q26.
Variant type: single nucleotide variant.
Coding change: c.10118C>T on transcript NM_001148.6 (MANE Select); coding-DNA position 10118, C replaced by T.
Protein change: p.Ala3373Val; replaces alanine 3373 with valine.
Molecular consequence: missense variant. On other transcripts: intron variant (68).
Genome position (GRCh38, 1-based): chr4:113,358,736, C>T. VCF-style: chr4-113358736-C-T. GRCh37 (hg19) VCF-style: chr4-114279892-C-T.
Other names: c.9884C>T, p.Ala3295Val (NM_001386142.1); c.6518C>T, p.Ala2173Val (NM_001386166.1); c.10259C>T, p.Ala3420Val (NM_001386174.1); c.10235C>T, p.Ala3412Val (NM_001386175.1); c.4412-2087C>T (NM_001386186.2, NM_001386148.2); c.4214-2087C>T (NM_001354269.3); c.4292-2087C>T (NM_001386187.2); c.4253-2087C>T (NM_001386147.1); and 35 more; short protein forms A3373V, A2173V, A3295V, A3412V, A3420V.
Identifiers: ClinVar variation 519510 (VCV000519510.57), dbSNP rs371358639, ClinGen allele CA3052026.

ClinVar aggregate classification (germline): Conflicting classifications of pathogenicity. Review status: criteria provided, conflicting classifications (1 of 4 stars). 5 submissions from 5 submitters: Uncertain significance (4); Likely benign (1). Last evaluated 2025-07-27.

Conditions:
Cardiac arrhythmia, ankyrin-B-related. Also called: ANKYRIN-B SYNDROME. Identifiers: Orphanet 101016, Orphanet 768, MedGen C1970119, MONDO:0010958, OMIM 600919.
Cardiovascular phenotype. Identifiers: MedGen CN230736.
Long QT syndrome (LQTS). Identifiers: MedGen C0023976, MeSH D008133, MONDO:0002442. Disease mechanism: loss of function. Inheritance: Various modes of inheritance.

Allele frequency attached by ClinVar (database versions not stated): ExAC 0.00001; gnomAD 0.00002 and 0.00003; gnomAD exomes 0.00002 and 0.00004; TOPMed 0.00002; ESP Exome Variant Server 0.00008.
gnomAD v4.1: 67 of 1,613,948 alleles (0.0042%); highest among the groups gnomAD compares: Non-Finnish European, 0.0053%; no homozygotes.

Submissions (5):

Labcorp Genetics (formerly Invitae), Labcorp
Classification: Uncertain significance for Long QT syndrome. Last evaluated: 2025-07-27. Review status: criteria provided, single submitter. Criteria: Invitae Variant Classification Sherloc (09022015). Collection method: clinical testing. Allele origin: germline.
Comment: This sequence change replaces alanine, which is neutral and non-polar, with valine, which is neutral and non-polar, at codon 3373 of the ANK2 protein (p.Ala3373Val). This variant is present in population databases (rs371358639, gnomAD 0.007%). This variant has not been reported in the literature in individuals affected with ANK2-related conditions. ClinVar contains an entry for this variant (Variation ID: 519510). An algorithm developed to predict the effect of missense changes on protein structure and function outputs the following: PolyPhen-2: "Benign". The valine amino acid residue is found in multiple mammalian species, which suggests that this missense change does not adversely affect protein function. In summary, the available evidence is currently insufficient to determine the role of this variant in disease. Therefore, it has been classified as a Variant of Uncertain Significance.

GeneDx
Classification: Uncertain significance. Last evaluated: 2019-08-29. Review status: criteria provided, single submitter. Criteria: GeneDx Variant Classification Process June 2021. Collection method: clinical testing. Allele origin: germline. Affected: yes.
Comment: Reported in one individual with hypertrophic cardiomyopathy in published literature (Lopes et al., 2015), although further details regarding a possible arrhythmia phenotype and segregation studies were not described; Reported in ClinVar but additional evidence is not available (ClinVar Variant ID# 519510; Landrum et al., 2016); Not observed at a significant frequency in large population cohorts (Lek et al., 2016); In silico analysis, which includes protein predictors and evolutionary conservation, supports that this variant does not alter protein structure/function; This variant is associated with the following publications: (PMID: 25351510)

Ambry Genetics
Classification: Likely benign for Cardiovascular phenotype. Last evaluated: 2018-10-02. Review status: criteria provided, single submitter. Criteria: Ambry Variant Classification Scheme 2023. Collection method: clinical testing. Allele origin: germline.

CeGaT Center for Human Genetics Tuebingen
Classification: Uncertain significance. Last evaluated: 2018-04-01. Review status: criteria provided, single submitter. Criteria: CeGaT Center For Human Genetics Tuebingen Variant Classification Criteria Version 2. Collection method: clinical testing. Allele origin: germline. Affected: yes. Observed: 1 variant allele.

Illumina Laboratory Services, Illumina
Classification: Uncertain significance for Cardiac arrhythmia, ankyrin-B-related. Last evaluated: 2018-01-13. Review status: criteria provided, single submitter. Criteria: ICSL Variant Classification Criteria 13 December 2019. Collection method: clinical testing. Allele origin: germline.